The following is an entry in ClinVar:

ClinVar aggregate classification (germline): Uncertain significance (1 of 4 stars; one submission).

Allele frequency attached by ClinVar (database versions not stated): gnomAD exomes below 0.00001.
gnomAD v4.1: 1 of 1,613,728 alleles (0.000062%); highest among the groups gnomAD compares: Non-Finnish European, 0.000085%; no homozygotes.

Submission:

Labcorp Genetics (formerly Invitae), Labcorp
Classification: Uncertain significance. Last evaluated: 2023-04-20. Review status: criteria provided, single submitter. Criteria: Invitae Variant Classification Sherloc (09022015). Collection method: clinical testing. Allele origin: germline.
Comment: This sequence change replaces threonine, which is neutral and polar, with alanine, which is neutral and non-polar, at codon 339 of the MME protein (p.Thr339Ala). This variant is not present in population databases (gnomAD no frequency). This variant has not been reported in the literature in individuals affected with MME-related conditions. ClinVar contains an entry for this variant (Variation ID: 1714592). Advanced modeling of protein sequence and biophysical properties (such as structural, functional, and spatial information, amino acid conservation, physicochemical variation, residue mobility, and thermodynamic stability) performed at Invitae indicates that this missense variant is not expected to disrupt MME protein function. In summary, the available evidence is currently insufficient to determine the role of this variant in disease. Therefore, it has been classified as a Variant of Uncertain Significance.

NM_007289.4(MME):c.1015A>G (p.Thr339Ala)

Gene: MME (membrane metalloendopeptidase; plus strand). Cytogenetic location: 3q25.2.
Variant type: single nucleotide variant.
Coding change: c.1015A>G on transcript NM_007289.4 (MANE Select); coding-DNA position 1015, A replaced by G.
Protein change: p.Thr339Ala; replaces threonine 339 with alanine.
Molecular consequence: missense variant.
Genome position (GRCh38, 1-based): chr3:155,142,048, A>G. VCF-style: chr3-155142048-A-G. GRCh37 (hg19) VCF-style: chr3-154859837-A-G.
Other names: c.1015A>G, p.Thr339Ala (NM_000902.5, NM_001354642.2, NM_001354643.1 and 2 more transcripts); short protein forms T339A.
Identifiers: ClinVar variation 1714592 (VCV001714592.5), dbSNP rs2473073232, ClinGen allele CA355129847.
Genomic context (GRCh38, chr3:155,142,048, plus strand): 5'-CAGCCATTCAGCTGGTTGAATTTCACAAATGAAATCATGTCAACTGTGAATATTAGTATT[A>G]CAAATGAGGAAGATGTGGTTGTTTATGCTCCAGAATATTTAACCAAACTTAAGCCCATTC-3'
Protein context (NP_009220.2, residues 329-349): EIMSTVNISI[Thr339Ala]NEEDVVVYAP